The following is an entry in ClinVar:

ClinVar aggregate classification (germline): Conflicting classifications of pathogenicity. Review status: criteria provided, conflicting classifications (1 of 4 stars). 5 submissions from 5 submitters: Uncertain significance (1); Likely benign (4). Last evaluated 2026-03-05.

Conditions:
Usher syndrome type 2C. Also called: USHER SYNDROME, TYPE IIC; Usher syndrome, type 2B. Identifiers: Orphanet 231178, Orphanet 886, MedGen C2931213, MONDO:0011558, OMIM 605472.
ADGRV1-related disorder. Also called: ADGRV1-related disorders; ADGRV1-related condition.

Allele frequency attached by ClinVar (database versions not stated): gnomAD exomes below 0.00001; gnomAD 0.00001.
gnomAD v4.1: 6 of 1,612,408 alleles (0.00037%); highest among the groups gnomAD compares: African/African-American, 0.0053%; no homozygotes.

Submissions (5):

PreventionGenetics, part of Exact Sciences
Classification: Likely benign for ADGRV1-related condition. Last evaluated: 2026-03-05. Review status: criteria provided, single submitter. Criteria: ACMG Guidelines, 2015. Collection method: clinical testing. Allele origin: germline.
Comment: This variant is classified as likely benign based on ACMG/AMP sequence variant interpretation guidelines (Richards et al. 2015 PMID: 25741868, with internal and published modifications).

Labcorp Genetics (formerly Invitae), Labcorp
Classification: Likely benign. Last evaluated: 2025-01-06. Review status: criteria provided, single submitter. Criteria: Invitae Variant Classification Sherloc (09022015). Collection method: clinical testing. Allele origin: germline.

Women's Health and Genetics/Laboratory Corporation of America, LabCorp
Classification: Likely benign. Last evaluated: 2024-03-19. Review status: criteria provided, single submitter. Criteria: LabCorp Variant Classification Summary - May 2015. Collection method: clinical testing. Allele origin: germline.
Comment: Variant summary: ADGRV1 c.11457A>G alters a conserved nucleotide resulting in a synonymous change. Consensus agreement among computation tools predict no significant impact on normal splicing. However, these predictions have yet to be confirmed by functional studies. The variant allele was found at a frequency of 4e-06 in 249040 control chromosomes. The available data on variant occurrences in the general population are insufficient to allow any conclusion about variant significance. To our knowledge, no occurrence of c.11457A>G in individuals affected with ADGRV1-Related Disorders and no experimental evidence demonstrating its impact on protein function have been reported. ClinVar contains an entry for this variant (Variation ID: 904136). Based on the evidence outlined above, the variant was classified as likely benign.

Blueprint Genetics
Classification: Likely benign. Last evaluated: 2024-01-24. Review status: criteria provided, single submitter. Criteria: ACMG Guidelines, 2015. Collection method: clinical testing. Allele origin: germline.

Illumina Laboratory Services, Illumina
Classification: Uncertain significance for Usher syndrome type 2C. Last evaluated: 2018-01-13. Review status: criteria provided, single submitter. Criteria: ICSL Variant Classification Criteria 13 December 2019. Collection method: clinical testing. Allele origin: germline.

NM_032119.4(ADGRV1):c.11457A>G (p.Gln3819=)

Gene: ADGRV1 (adhesion G protein-coupled receptor V1; plus strand). Cytogenetic location: 5q14.3.
Variant type: single nucleotide variant.
Coding change: c.11457A>G on transcript NM_032119.4 (MANE Select); coding-DNA position 11457, A replaced by G.
Protein change: p.Gln3819=; no amino-acid change (glutamine 3819 retained).
Molecular consequence: synonymous variant. On other transcripts: non-coding transcript variant (1).
Genome position (GRCh38, 1-based): chr5:90,755,062, A>G. VCF-style: chr5-90755062-A-G. GRCh37 (hg19) VCF-style: chr5-90050879-A-G.
Identifiers: ClinVar variation 904136 (VCV000904136.16), dbSNP rs1312477726, ClinGen allele CA445404075.